The following is an entry in ClinVar:

ClinVar aggregate classification (germline): Uncertain significance (1 of 4 stars; one submission).

Conditions:
Hereditary cancer-predisposing syndrome. Also called: Neoplastic Syndromes, Hereditary; Tumor predisposition; Hereditary neoplastic syndrome; Hereditary Cancer Syndrome. Identifiers: Orphanet 140162, MedGen C0027672, MeSH D009386, MONDO:0015356.

Submission:

Ambry Genetics
Classification: Uncertain significance for Hereditary cancer-predisposing syndrome. Last evaluated: 2024-05-06. Review status: criteria provided, single submitter. Criteria: Ambry Variant Classification Scheme 2023. Collection method: clinical testing. Allele origin: germline.
Comment: The p.C790S variant (also known as c.2368T>A), located in coding exon 14 of the ATM gene, results from a T to A substitution at nucleotide position 2368. The cysteine at codon 790 is replaced by serine, an amino acid with dissimilar properties. This amino acid position is well conserved in available vertebrate species. In addition, the in silico prediction for this alteration is inconclusive. Based on the available evidence, the clinical significance of this variant remains unclear.

NM_000051.4(ATM):c.2368T>A (p.Cys790Ser)

Gene: ATM (ATM serine/threonine kinase; plus strand). Cytogenetic location: 11q22.3.
Variant type: single nucleotide variant.
Coding change: c.2368T>A on transcript NM_000051.4 (MANE Select); coding-DNA position 2368, T replaced by A.
Protein change: p.Cys790Ser; replaces cysteine 790 with serine.
Molecular consequence: missense variant.
Genome position (GRCh38, 1-based): chr11:108,257,598, T>A. VCF-style: chr11-108257598-T-A. GRCh37 (hg19) VCF-style: chr11-108128325-T-A.
Other names: c.2368T>A, p.Cys790Ser (NM_001351834.2); short protein forms C790S.
Identifiers: ClinVar variation 3325621 (VCV003325621.1).